The following is an entry in ClinVar:

NM_000090.4(COL3A1):c.1860A>T (p.Pro620=)

Gene: COL3A1 (collagen type III alpha 1 chain; plus strand). Cytogenetic location: 2q32.2.
Variant type: single nucleotide variant.
Coding change: c.1860A>T on transcript NM_000090.4 (MANE Select); coding-DNA position 1860, A replaced by T.
Protein change: p.Pro620=; no amino-acid change (proline 620 retained).
Molecular consequence: synonymous variant.
Genome position (GRCh38, 1-based): chr2:188,997,380, A>T. VCF-style: chr2-188997380-A-T. GRCh37 (hg19) VCF-style: chr2-189862106-A-T.
Identifiers: ClinVar variation 922634 (VCV000922634.18), dbSNP rs141128796, ClinGen allele CA074740.

ClinVar aggregate classification (germline): Likely benign. Review status: criteria provided, multiple submitters, no conflicts (2 of 4 stars). 6 submissions from 6 submitters: Likely benign (6). Last evaluated 2025-01-01.

Conditions:
Ehlers-Danlos syndrome, type 4 (EDSVASC). Also called: Ehlers-Danlos Syndrome Type IV; Ehlers-Danlos syndrome vascular type; Ehlers Danlos syndrome, ecchymotic type; Ehlers Danlos syndrome, arterial type; Ehlers Danlos syndrome, Sack-Barabas type. Identifiers: Orphanet 286, MedGen C0268338, MONDO:0017314, OMIM 130050.
Familial thoracic aortic aneurysm and aortic dissection (TAAD). Also called: Thoracic aortic aneurysms and dissections. Identifiers: Orphanet 91387, MedGen C4707243, MONDO:0019625.

Allele frequency attached by ClinVar (database versions not stated): gnomAD exomes below 0.00001; ExAC 0.00001; TOPMed 0.00001; gnomAD 0.00002; ESP Exome Variant Server 0.00008.
gnomAD v4.1: 7 of 1,613,694 alleles (0.00043%); highest among the groups gnomAD compares: Non-Finnish European, 0.00051%; no homozygotes.

Submissions (6):

Labcorp Genetics (formerly Invitae), Labcorp
Classification: Likely benign for Ehlers-Danlos syndrome, type 4. Last evaluated: 2025-01-01. Review status: criteria provided, single submitter. Criteria: Invitae Variant Classification Sherloc (09022015). Collection method: clinical testing. Allele origin: germline.

Blueprint Genetics
Classification: Likely benign. Last evaluated: 2024-11-18. Review status: criteria provided, single submitter. Criteria: ACMG Guidelines, 2015. Collection method: clinical testing. Allele origin: germline.

All of Us Research Program, National Institutes of Health
Classification: Likely benign for Ehlers-Danlos syndrome, type 4. Last evaluated: 2023-08-14. Review status: criteria provided, single submitter. Criteria: ACMG Guidelines, 2015. Collection method: clinical testing. Allele origin: germline. Inheritance: Autosomal dominant inheritance. Observed: 4 variant alleles, 4 heterozygotes.
Comment: This study involves interpretation of variants in research participants for the purpose of population health screening. Participant phenotype was not available at the time of variant classification. Additional details can be found in publication PMID: 35346344, PMCID: PMC8962531

Ambry Genetics
Classification: Likely benign for Familial thoracic aortic aneurysm and aortic dissection. Last evaluated: 2020-09-30. Review status: criteria provided, single submitter. Criteria: Ambry Variant Classification Scheme 2023. Collection method: clinical testing. Allele origin: germline.

ARUP Laboratories, Molecular Genetics and Genomics, ARUP Laboratories
Classification: Likely benign. Last evaluated: 2019-10-07. Review status: criteria provided, single submitter. Criteria: ARUP Molecular Germline Variant Investigation Process. Collection method: clinical testing. Allele origin: germline.

Color Diagnostics, LLC DBA Color Health
Classification: Likely benign for Familial thoracic aortic aneurysm and aortic dissection. Last evaluated: 2018-10-30. Review status: criteria provided, single submitter. Criteria: ACMG Guidelines, 2015. Collection method: clinical testing. Allele origin: germline.